The following is an entry in ClinVar:

NM_001122769.3(LCA5):c.458C>T (p.Ala153Val)

Gene: LCA5 (lebercilin LCA5; minus strand). Cytogenetic location: 6q14.1.
Variant type: single nucleotide variant.
Coding change: c.458C>T on transcript NM_001122769.3 (MANE Select); coding-DNA position 458, C replaced by T.
Protein change: p.Ala153Val; replaces alanine 153 with valine.
Molecular consequence: missense variant.
Genome position (GRCh38, 1-based): chr6:79,513,474, G>A on the plus strand (C>T on the coding strand, the complement: LCA5 is on the minus strand). VCF-style: chr6-79513474-G-A. GRCh37 (hg19) VCF-style: chr6-80223191-G-A.
Other names: c.458C>T, p.Ala153Val (NM_181714.4); short protein forms A153V.
Identifiers: ClinVar variation 2074120 (VCV002074120.4), dbSNP rs2533439385, ClinGen allele CA364628889.

ClinVar aggregate classification (germline): Uncertain significance (1 of 4 stars; one submission).

Submission:

Labcorp Genetics (formerly Invitae), Labcorp
Classification: Uncertain significance. Last evaluated: 2022-01-04. Review status: criteria provided, single submitter. Criteria: Invitae Variant Classification Sherloc (09022015). Collection method: clinical testing. Allele origin: germline.
Comment: In summary, the available evidence is currently insufficient to determine the role of this variant in disease. Therefore, it has been classified as a Variant of Uncertain Significance. Algorithms developed to predict the effect of missense changes on protein structure and function (SIFT, PolyPhen-2, Align-GVGD) all suggest that this variant is likely to be tolerated. This variant has not been reported in the literature in individuals affected with LCA5-related conditions. This variant is not present in population databases (gnomAD no frequency). This sequence change replaces alanine, which is neutral and non-polar, with valine, which is neutral and non-polar, at codon 153 of the LCA5 protein (p.Ala153Val).